The following is an entry in ClinVar:

ClinVar aggregate classification (germline): Uncertain significance. Review status: criteria provided, multiple submitters, no conflicts (2 of 4 stars). 2 submissions from 2 submitters: Uncertain significance (2). Last evaluated 2024-04-04.

Conditions:
Primary hyperoxaluria, type II (HP2). Also called: D-GLYCERATE DEHYDROGENASE DEFICIENCY; Primary hyperoxaluria type 2; GLYCERIC ACIDURIA; GLYOXYLATE REDUCTASE/HYDROXYPYRUVATE REDUCTASE DEFICIENCY; OXALOSIS II. Identifiers: Orphanet 416, Orphanet 93599, MedGen C0268165, MONDO:0009824, OMIM 260000. Disease mechanism: loss of function.

Allele frequency attached by ClinVar (database versions not stated): ExAC 0.00001; gnomAD exomes 0.00002.
gnomAD v4.1: 6 of 1,613,996 alleles (0.00037%); highest among the groups gnomAD compares: Non-Finnish European, 0.00017%; no homozygotes.

Submissions (2):

Fulgent Genetics
Classification: Uncertain significance for Primary hyperoxaluria, type II. Last evaluated: 2024-04-04. Review status: criteria provided, single submitter. Criteria: ACMG Guidelines, 2015. Collection method: clinical testing. Allele origin: germline.

Labcorp Genetics (formerly Invitae), Labcorp
Classification: Uncertain significance. Last evaluated: 2021-08-28. Review status: criteria provided, single submitter. Criteria: Invitae Variant Classification Sherloc (09022015). Collection method: clinical testing. Allele origin: germline.
Comment: This sequence change replaces valine with methionine at codon 270 of the GRHPR protein (p.Val270Met). The valine residue is highly conserved and there is a small physicochemical difference between valine and methionine. This variant is present in population databases (rs765478360, ExAC 0.001%). This missense change has been observed in individual(s) with GRHPR-related conditions (Invitae). Algorithms developed to predict the effect of missense changes on protein structure and function are either unavailable or do not agree on the potential impact of this missense change (SIFT: "Deleterious"; PolyPhen-2: "Probably Damaging"; Align-GVGD: "Class C0"). In summary, the available evidence is currently insufficient to determine the role of this variant in disease. Therefore, it has been classified as a Variant of Uncertain Significance.

NM_012203.2(GRHPR):c.808G>A (p.Val270Met)

Gene: GRHPR (glyoxylate and hydroxypyruvate reductase; plus strand). Cytogenetic location: 9p13.2.
Variant type: single nucleotide variant.
Coding change: c.808G>A on transcript NM_012203.2 (MANE Select); coding-DNA position 808, G replaced by A.
Protein change: p.Val270Met; replaces valine 270 with methionine.
Molecular consequence: missense variant.
Genome position (GRCh38, 1-based): chr9:37,432,081, G>A. VCF-style: chr9-37432081-G-A. GRCh37 (hg19) VCF-style: chr9-37432078-G-A.
Other names: short protein forms V270M.
Identifiers: ClinVar variation 841558 (VCV000841558.7), dbSNP rs765478360, ClinGen allele CA5059269.